The following is an entry in ClinVar:

NM_005609.4(PYGM):c.2392T>C (p.Trp798Arg)

Gene: PYGM (glycogen phosphorylase, muscle associated; minus strand). Cytogenetic location: 11q13.1.
Variant type: single nucleotide variant.
Coding change: c.2392T>C on transcript NM_005609.4 (MANE Select); coding-DNA position 2392, T replaced by C.
Protein change: p.Trp798Arg; replaces tryptophan 798 with arginine.
Molecular consequence: missense variant.
Genome position (GRCh38, 1-based): chr11:64,746,796, A>G on the plus strand (T>C on the coding strand, the complement: PYGM is on the minus strand). VCF-style: chr11-64746796-A-G. GRCh37 (hg19) VCF-style: chr11-64514268-A-G.
Other names: W797R; NM_001164716.1(PYGM):c.2128T>C(p.Trp710Arg); NM_005609.2(PYGM):c.2392T>C(p.Trp798Arg); c.2128T>C, p.Trp710Arg (NM_001164716.1); c.2392T>C (NM_005609.3); short protein forms W798R, W710R.
Identifiers: ClinVar variation 2312 (VCV000002312.31), dbSNP rs119103258, ClinGen allele CA222889.

ClinVar aggregate classification (germline): Pathogenic/Likely pathogenic. Review status: criteria provided, multiple submitters, no conflicts (2 of 4 stars). 14 submissions from 14 submitters: Pathogenic (10); Likely pathogenic (1). 3 of the submissions do not count toward it. Last evaluated 2026-08-05.

Conditions:
Glycogen storage disease, type V (GSD5). Also called: MCARDLE DISEASE; MUSCLE GLYCOGEN PHOSPHORYLASE DEFICIENCY; MYOPHOSPHORYLASE DEFICIENCY; McArdle type glycogen storage disease; PYGM DEFICIENCY. Identifiers: Orphanet 368, MedGen C0017924, MONDO:0009293, OMIM 232600.

Allele frequency attached by ClinVar (database versions not stated): TOPMed 0.00001.
gnomAD v4.1: 17 of 1,613,512 alleles (0.0011%); highest among the groups gnomAD compares: Admixed American, 0.005%; no homozygotes.

Submissions (14):

GeneDx
Classification: Pathogenic. Last evaluated: 2026-08-05. Review status: criteria provided, single submitter. Criteria: GeneDx Variant Classification Process June 2021. Collection method: clinical testing. Allele origin: germline.
Comment: Not observed at significant frequency in large population cohorts (gnomAD); In silico analysis supports that this missense variant has a deleterious effect on protein structure/function; Also known as W797R; This variant is associated with the following publications: (PMID: 19251976, 10590419, 17221871, 10681080, 11706962, 20301518, 29143597, 17994553, 14722619, 11168025, 29926259, 32560448, 33370875, 31589614, 30415384, 34534370, 22250184, 34598035)

Labcorp Genetics (formerly Invitae), Labcorp
Classification: Pathogenic for Glycogen storage disease, type V. Last evaluated: 2026-01-19. Review status: criteria provided, single submitter. Criteria: Invitae Variant Classification Sherloc (09022015). Collection method: clinical testing. Allele origin: germline.
Comment: This sequence change replaces tryptophan, which is neutral and slightly polar, with arginine, which is basic and polar, at codon 798 of the PYGM protein (p.Trp798Arg). This variant is present in population databases (rs119103258, gnomAD 0.006%). This missense change has been observed in individual(s) with McArdle disease (PMID: 10590419, 10681080, 17994553, 22250184, 30415384). This variant is also known as W797R. ClinVar contains an entry for this variant (Variation ID: 2312). Invitae Evidence Modeling of protein sequence and biophysical properties (such as structural, functional, and spatial information, amino acid conservation, physicochemical variation, residue mobility, and thermodynamic stability) indicates that this missense variant is expected to disrupt PYGM protein function with a positive predictive value of 95%. For these reasons, this variant has been classified as Pathogenic.

Natera, Inc.
Classification: Pathogenic for Glycogen storage disease V. Last evaluated: 2025-07-01. Review status: criteria provided, single submitter. Criteria: Natera Variant Classification Schema (03/2026). Collection method: clinical testing. Allele origin: germline.
Comment: The c.2392T>C variant in PYGM is a missense variant predicted to cause substitution of tryptophan to arginine at amino acid 798. This variant is rare in the general population with a frequency below the threshold expected for the associated phenotype(s). This variant has been observed in one or more individuals affected with the associated recessive disease, as either homozygous or compound heterozygous with a second variant (PMID: 17994553). Given the available evidence, this variant is classified as Pathogenic.

Laboratorio de Genetica e Diagnostico Molecular, Hospital Israelita Albert Einstein
Classification: Pathogenic for Glycogen storage disease, type V. Last evaluated: 2025-03-24. Review status: criteria provided, single submitter. Criteria: ACMG Guidelines, 2015. Collection method: clinical testing. Allele origin: germline. Affected: yes.
Comment: ACMG classification criteria: PS3 supporting, PM2 supporting, PM3 very strong, PP3 supporting

Fulgent Genetics
Classification: Pathogenic for Glycogen storage disease, type V. Last evaluated: 2024-04-02. Review status: criteria provided, single submitter. Criteria: ACMG Guidelines, 2015. Collection method: clinical testing. Allele origin: germline.

Baylor Genetics
Classification: Pathogenic for Glycogen storage disease, type V. Last evaluated: 2024-03-28. Review status: criteria provided, single submitter. Criteria: ACMG Guidelines, 2015. Collection method: clinical testing. Allele origin: unknown.

Women's Health and Genetics/Laboratory Corporation of America, LabCorp
Classification: Pathogenic for Glycogen storage disease, type V. Last evaluated: 2022-07-14. Review status: criteria provided, single submitter. Criteria: LabCorp Variant Classification Summary - May 2015. Collection method: clinical testing. Allele origin: germline.
Comment: Variant summary: PYGM c.2392T>C (p.Trp798Arg) results in a non-conservative amino acid change in the encoded protein sequence. Five of five in-silico tools predict a damaging effect of the variant on protein function. The variant allele was found at a frequency of 1.6e-05 in 251496 control chromosomes. c.2392T>C has been widely reported in the literature in multiple individuals affected with Glycogen Storage Disease, Type V (example, Lucia_2007, Vieitez_2011). These data indicate that the variant is very likely to be associated with disease. Eight clinical diagnostic laboratories have submitted clinical-significance assessments for this variant to ClinVar after 2014. All laboratories classified the variant as pathogenic/likely pathogenic. Based on the evidence outlined above, the variant was classified as pathogenic.

Dasa
Classification: Pathogenic for Glycogen storage disease, type V. Last evaluated: 2022-01-05. Review status: criteria provided, single submitter. Criteria: ACMG Guidelines, 2015. Collection method: clinical testing. Allele origin: germline. Affected: yes. Observed: 1 variant allele.
Comment: The c.2392T>C;p.(Trp798Arg) missense variant has been observed in affected individual(s) and ClinVar contains an entry for this variant (ClinVar ID: 2312; PMID: 10590419;30415384;17994553;22250184;10681080) - PS4.The variant is located in a mutational hot spot and/or critical and well-established functional domain (Phosphorylase domain) - PM1. The variant is present at low allele frequencies population databases (rs119103258– gnomAD 0.00001979%; ABraOM 0.001281 frequency) - PM2_supporting. The p.(Trp798Arg) was detected in trans with a pathogenic variant (PMID: 10590419; 30415384; 17994553; 22250184; 10681080) - PM3 Pathogenic missense variant in this residue have been reported (ClinVar ID: 526617) - PM5. Multiple lines of computational evidence support a deleterious effect on the gene or gene product - PP3. In summary, the currently available evidence indicates that the variant is pathogenic.

Revvity Omics, Revvity
Classification: Pathogenic for Glycogen storage disease, type V. Last evaluated: 2021-09-28. Review status: criteria provided, single submitter. Criteria: ACMG Guidelines, 2015. Collection method: clinical testing. Allele origin: germline.

SIB Swiss Institute of Bioinformatics
Classification: Likely pathogenic for Glycogen storage disease, type V. Last evaluated: 2018-05-31. Review status: criteria provided, single submitter. Criteria: ACMG Guidelines, 2015. Collection method: curation. Allele origin: unknown.
Comment: This variant is interpreted as a Likely Pathogenic, for Glycogen storage disease 5, in Autosomal Recessive manner. The following ACMG Tag(s) were applied: PM2 => Absent from controls (or at extremely low frequency if recessive) in Exome Sequencing Project, 1000 Genomes Project, or Exome Aggregation Consortium. PS4-Moderate => Common mutation observed in multiple unrelated patients. (PMID:10590419,29143597,/10681080,14722619). PM3 => For recessive disorders, detected in trans with a pathogenic variant (PMID:29143597). PP3 => Multiple lines of computational evidence support a deleterious effect on the gene or gene product.

Eurofins Ntd Llc (ga)
Classification: Pathogenic. Last evaluated: 2012-07-11. Review status: criteria provided, single submitter. Criteria: EGL Classification Definitions. Collection method: clinical testing. Allele origin: germline. Observed: 2 variant alleles, 2 homozygotes.

Counsyl
Classification: Pathogenic for Glycogen storage disease, type V. Last evaluated: 2015-07-29. Review status: no assertion criteria provided. Collection method: clinical testing. Allele origin: unknown. Not counted in ClinVar's aggregate classification.

OMIM
Classification: Pathogenic for MCARDLE DISEASE. Last evaluated: 2001-01-01. Review status: no assertion criteria provided. Collection method: literature only. Allele origin: germline. Not counted in ClinVar's aggregate classification.

GeneReviews
No classification provided. Condition: Glycogen storage disease, type V. Review status: no classification provided. Collection method: literature only. Allele origin: germline. Affected: yes. Not counted in ClinVar's aggregate classification.

Literature cited by the submitters: PubMed 10590419 (cited by 4 submitters); PubMed 10681080 (cited by 5 submitters); PubMed 17994553 (cited by 4 submitters); PubMed 22250184 (cited by 4 submitters); PubMed 30415384 (cited by Labcorp Genetics (formerly Invitae), Labcorp and Dasa); PubMed 21802952 (cited by Women's Health and Genetics/Laboratory Corporation of America, LabCorp); PubMed 17560787 (cited by Women's Health and Genetics/Laboratory Corporation of America, LabCorp); PubMed 26115788 (cited by Dasa); PubMed 29143597 (cited by SIB Swiss Institute of Bioinformatics); PubMed 14722619 (cited by SIB Swiss Institute of Bioinformatics); PubMed 11706962 (cited by Counsyl and GeneReviews); PubMed 11168025 (cited by OMIM); PubMed 17221871 (cited by GeneReviews).